The following is an entry in ClinVar:

NM_139076.3(ABRAXAS1):c.1189A>G (p.Met397Val)

Gene: ABRAXAS1 (abraxas 1, BRCA1 A complex subunit; minus strand). Cytogenetic location: 4q21.23.
Variant type: single nucleotide variant.
Coding change: c.1189A>G on transcript NM_139076.3 (MANE Select); coding-DNA position 1189, A replaced by G.
Protein change: p.Met397Val; replaces methionine 397 with valine.
Molecular consequence: missense variant.
Genome position (GRCh38, 1-based): chr4:83,462,510, T>C on the plus strand (A>G on the coding strand, the complement: ABRAXAS1 is on the minus strand). VCF-style: chr4-83462510-T-C. GRCh37 (hg19) VCF-style: chr4-84383663-T-C.
Other names: c.862A>G, p.Met288Val (NM_001345962.2); short protein forms M288V, M397V.
Identifiers: ClinVar variation 3229137 (VCV003229137.1), dbSNP rs766764068, ClinGen allele CA2990360.

ClinVar aggregate classification (germline): Uncertain significance (1 of 4 stars; one submission).

Allele frequency attached by ClinVar (database versions not stated): ExAC 0.00001; gnomAD 0.00001.
gnomAD v4.1: 1 of 1,613,886 alleles (0.000062%); highest among the groups gnomAD compares: African/African-American, 0.0013%; no homozygotes.

Submission:

Ambry Genetics
Classification: Uncertain significance. Last evaluated: 2024-02-22. Review status: criteria provided, single submitter. Criteria: Ambry Variant Classification Scheme 2023. Collection method: clinical testing. Allele origin: germline.
Comment: The p.M397V variant (also known as c.1189A>G), located in coding exon 9 of the FAM175A gene, results from an A to G substitution at nucleotide position 1189. The methionine at codon 397 is replaced by valine, an amino acid with highly similar properties. This amino acid position is conserved. In addition, this alteration is predicted to be tolerated by in silico analysis. Based on the available evidence, the clinical significance of this alteration remains unclear.